The following is an entry in ClinVar:

ClinVar aggregate classification (germline): Uncertain significance (1 of 4 stars; one submission).

Conditions:
Early-infantile DEE. Also called: Ohtahara syndrome; Early infantile epileptic encephalopathy; Early infantile epileptic encephalopathy with suppression bursts. Identifiers: Orphanet 1934, MedGen C0393706, MONDO:0800491.

Submission:

Labcorp Genetics (formerly Invitae), Labcorp
Classification: Uncertain significance for Early-infantile DEE. Last evaluated: 2023-03-19. Review status: criteria provided, single submitter. Criteria: Invitae Variant Classification Sherloc (09022015). Collection method: clinical testing. Allele origin: germline.
Comment: This variant is not present in population databases (gnomAD no frequency). This variant has not been reported in the literature in individuals affected with SPTAN1-related conditions. Algorithms developed to predict the effect of sequence changes on RNA splicing suggest that this variant may create or strengthen a splice site. In summary, the available evidence is currently insufficient to determine the role of this variant in disease. Therefore, it has been classified as a Variant of Uncertain Significance. This sequence change falls in intron 13 of the SPTAN1 gene. It does not directly change the encoded amino acid sequence of the SPTAN1 protein.

NM_001130438.3(SPTAN1):c.1650+8del

Gene: SPTAN1 (spectrin alpha, non-erythrocytic 1; plus strand). Cytogenetic location: 9q34.11.
Variant type: Deletion.
Coding change: c.1650+8del on transcript NM_001130438.3 (MANE Select); 8 bases into the intron after coding-DNA position 1650, one base deleted (T; older notation c.1650+8delT).
Molecular consequence: intron variant.
Genome position (GRCh38, 1-based): chr9:128,582,564, T deleted; the last of 3 consecutive T bases (chr9:128,582,562-128,582,564); deleting any one gives the same sequence. VCF-style (leftmost placement, unchanged base first): chr9-128582561-GT-G. GRCh37 (hg19) VCF-style: chr9-131344840-GT-G.
Other names: c.1686+8del (NM_001375318.1, NM_001375312.2); c.1650+8del (NM_001375311.2, NM_001375314.2, NM_001375310.1 and 5 more transcripts).
Identifiers: ClinVar variation 2781562 (VCV002781562.3), dbSNP rs1852074765, ClinGen allele CA1129346693.